The following is an entry in ClinVar:

NM_001042424.3(NSD2):c.4071del (p.Trp1358fs)

Gene: NSD2 (nuclear receptor binding SET domain protein 2; plus strand). Cytogenetic location: 4p16.3.
Variant type: Deletion.
Coding change: c.4071del on transcript NM_001042424.3 (MANE Select); coding-DNA position 4071, one base deleted (C; older notation c.4071delC).
Protein change: p.Trp1358fs; shifts the reading frame from tryptophan 1358.
Molecular consequence: frameshift variant.
Genome position (GRCh38, 1-based): chr4:1,978,882, C deleted. VCF-style (leftmost placement, unchanged base first): chr4-1978881-GC-G. GRCh37 (hg19) VCF-style: chr4-1980608-GC-G.
Other names: c.4071del, p.Trp1358fs (NM_133330.3, NM_133331.3, NM_133335.4); short protein forms W1358fs.
Identifiers: ClinVar variation 1679358 (VCV001679358.8), dbSNP rs2109035117, ClinGen allele CA2573137602.

ClinVar aggregate classification (germline): Conflicting classifications of pathogenicity. Review status: criteria provided, conflicting classifications (1 of 4 stars). 2 submissions from 2 submitters: Likely pathogenic (1); Uncertain significance (1). Last evaluated 2022-05-31.

Conditions:
Rauch-Steindl syndrome (RAUST). Identifiers: Orphanet 659642, MedGen C5562061, MONDO:0859219, OMIM 619695.

Submissions (2):

Labcorp Genetics (formerly Invitae), Labcorp
Classification: Uncertain significance. Last evaluated: 2022-05-31. Review status: criteria provided, single submitter. Criteria: Invitae Variant Classification Sherloc (09022015). Collection method: clinical testing. Allele origin: germline.
Comment: ClinVar contains an entry for this variant (Variation ID: 1679358). Experimental studies and prediction algorithms are not available or were not evaluated, and the functional significance of this variant is currently unknown. In summary, the available evidence is currently insufficient to determine the role of this variant in disease. Therefore, it has been classified as a Variant of Uncertain Significance. This variant has not been reported in the literature in individuals affected with WHSC1-related conditions. This sequence change results in a frameshift in the WHSC1 gene (p.Trp1358Glyfs*34). While this is not anticipated to result in nonsense mediated decay, it is expected to disrupt the last 8 amino acid(s) of the WHSC1 protein and extend the protein by 25 additional amino acid residues. This variant is not present in population databases (gnomAD no frequency).

Department of Clinical Genetics, Copenhagen University Hospital, Rigshospitalet
Classification: Likely pathogenic for Rauch-Steindl syndrome. Last evaluated: 2021-08-01. Review status: criteria provided, single submitter. Criteria: ACMG Guidelines, 2015. Collection method: clinical testing. Allele origin: de novo. Affected: yes.